The following is an entry in ClinVar:

NM_000540.3(RYR1):c.11141G>T (p.Ser3714Ile)

Gene: RYR1 (ryanodine receptor 1; plus strand). Cytogenetic location: 19q13.2.
Variant type: single nucleotide variant.
Coding change: c.11141G>T on transcript NM_000540.3 (MANE Select); coding-DNA position 11141, G replaced by T.
Protein change: p.Ser3714Ile; replaces serine 3714 with isoleucine.
Molecular consequence: missense variant.
Genome position (GRCh38, 1-based): chr19:38,529,057, G>T. VCF-style: chr19-38529057-G-T. GRCh37 (hg19) VCF-style: chr19-39019697-G-T.
Other names: c.11126G>T, p.Ser3709Ile (NM_001042723.2); short protein forms S3709I, S3714I.
Identifiers: ClinVar variation 1043225 (VCV001043225.8), dbSNP rs772821039, ClinGen allele CA405650473.

ClinVar aggregate classification (germline): Uncertain significance (1 of 4 stars; one submission).

Conditions:
RYR1-related disorder. Also called: RYR1-related condition; RYR1-related disorders. Identifiers: MedGen CN239331.

gnomAD v4.1: 2 of 1,613,594 alleles (0.00012%); highest among the groups gnomAD compares: Non-Finnish European, 0.00017%; no homozygotes.

Submission:

Labcorp Genetics (formerly Invitae), Labcorp
Classification: Uncertain significance for RYR1-related disorder. Last evaluated: 2021-04-10. Review status: criteria provided, single submitter. Criteria: Invitae Variant Classification Sherloc (09022015). Collection method: clinical testing. Allele origin: germline.
Comment: This sequence change replaces serine with isoleucine at codon 3714 of the RYR1 protein (p.Ser3714Ile). The serine residue is highly conserved and there is a large physicochemical difference between serine and isoleucine. This variant also falls at the last nucleotide of exon 76, which is part of the consensus splice site for this exon. In summary, the available evidence is currently insufficient to determine the role of this variant in disease. Therefore, it has been classified as a Variant of Uncertain Significance. Nucleotide substitutions within the consensus splice site are a relatively common cause of aberrant splicing (PMID: 17576681, 9536098). Algorithms developed to predict the effect of sequence changes on RNA splicing suggest that this variant may disrupt the consensus splice site, but this prediction has not been confirmed by published transcriptional studies. Algorithms developed to predict the effect of missense changes on protein structure and function are either unavailable or do not agree on the potential impact of this missense change (SIFT: "Deleterious"; PolyPhen-2: "Benign"; Align-GVGD: "Class C0"). This variant has not been reported in the literature in individuals with RYR1-related conditions. This variant is not present in population databases (ExAC no frequency).

Literature cited by the submitters: PubMed 17576681; PubMed 9536098.